The following is an entry in ClinVar:

NM_000059.4(BRCA2):c.4338del (p.Ile1446fs)

Gene: BRCA2 (BRCA2 DNA repair associated; plus strand). Cytogenetic location: 13q13.1.
Variant type: Deletion.
Coding change: c.4338del on transcript NM_000059.4 (MANE Select); coding-DNA position 4338, one base deleted (T; older notation c.4338delT).
Protein change: p.Ile1446fs; shifts the reading frame from isoleucine 1446.
Molecular consequence: frameshift variant. On other transcripts: non-coding transcript variant (1), intron variant (2).
Genome position (GRCh38, 1-based): chr13:32,338,693, T deleted; the last of 2 consecutive T bases (chr13:32,338,692-32,338,693); deleting either gives the same sequence. VCF-style (leftmost placement, unchanged base first): chr13-32338691-AT-A. GRCh37 (hg19) VCF-style: chr13-32912828-AT-A.
Other names: c.4338del, p.Ile1446fs (NM_001406719.1, NM_001406720.1, NM_001432077.1); c.1909+5306del (NM_001406721.1); c.425-5865del (NM_001406722.1); short protein forms I1446fs.
Identifiers: ClinVar variation 3992816 (VCV003992816.2).

ClinVar aggregate classification (germline): Pathogenic/Likely pathogenic. Review status: criteria provided, multiple submitters, no conflicts (2 of 4 stars). 2 submissions from 2 submitters: Pathogenic (1); Likely pathogenic (1). Last evaluated 2025-05-19.

Conditions:
Hereditary breast ovarian cancer syndrome. Also called: Hereditary breast and ovarian cancer syndrome; Hereditary breast and ovarian cancer; Hereditary breast and ovarian cancer syndrome (HBOC); Breast and ovarian cancer; Hereditary breast and/or ovarian cancer syndrome; BRCA1- and BRCA2-Associated Hereditary Breast and Ovarian Cancer. Identifiers: Orphanet 145, MedGen C0677776, MeSH D061325, MONDO:0003582. Disease mechanism: loss of function.
Hereditary cancer-predisposing syndrome. Also called: Tumor predisposition; Hereditary neoplastic syndrome; Neoplastic Syndromes, Hereditary; Hereditary Cancer Syndrome. Identifiers: Orphanet 140162, MedGen C0027672, MeSH D009386, MONDO:0015356.

Submissions (2):

Ambry Genetics
Classification: Pathogenic for Hereditary cancer-predisposing syndrome. Last evaluated: 2025-05-19. Review status: criteria provided, single submitter. Criteria: Ambry Variant Classification Scheme 2023. Collection method: clinical testing. Allele origin: germline.
Comment: The c.4338delT pathogenic mutation, located in coding exon 10 of the BRCA2 gene, results from a deletion of one nucleotide at nucleotide position 4338, causing a translational frameshift with a predicted alternate stop codon (p.I1446Mfs*2). This variant is considered to be rare based on population cohorts in the Genome Aggregation Database (gnomAD). This alteration is expected to result in loss of function by premature protein truncation or nonsense-mediated mRNA decay. As such, this alteration is interpreted as a disease-causing mutation.

Genetics and Personalized Medicine Clinic, Tartu University Hospital
Classification: Likely pathogenic for Hereditary breast ovarian cancer syndrome. Last evaluated: 2022-01-01. Review status: criteria provided, single submitter. Criteria: ACMG Guidelines, 2015. Collection method: clinical testing. Allele origin: germline. Affected: yes. Observed: 1 variant allele.
Comment: This deletion causes a frameshift p.(Ile1446Metfs*2), predicted to result in premature truncation and nonsense-mediated decay. BRCA2 loss-of-function is a well-established mechanism for hereditary breast and ovarian cancer (PVS1).